The following is an entry in ClinVar:

NM_017654.4(SAMD9):c.3345C>A (p.Asp1115Glu)

Gene: SAMD9 (sterile alpha motif domain containing 9; minus strand). Cytogenetic location: 7q21.2.
Variant type: single nucleotide variant.
Coding change: c.3345C>A on transcript NM_017654.4 (MANE Select); coding-DNA position 3345, C replaced by A.
Protein change: p.Asp1115Glu; replaces aspartic acid 1115 with glutamic acid.
Molecular consequence: missense variant.
Genome position (GRCh38, 1-based): chr7:93,102,753, G>T on the plus strand (C>A on the coding strand, the complement: SAMD9 is on the minus strand). VCF-style: chr7-93102753-G-T. GRCh37 (hg19) VCF-style: chr7-92732066-G-T.
Other names: c.3345C>A, p.Asp1115Glu (NM_001193307.2); short protein forms D1115E.
Identifiers: ClinVar variation 4159222 (VCV004159222.1).

ClinVar aggregate classification (germline): Uncertain significance (1 of 4 stars; one submission).

Conditions:
Inborn genetic diseases. Identifiers: MedGen C0950123, MeSH D030342.

Submission:

Ambry Genetics
Classification: Uncertain significance for Inborn genetic diseases. Last evaluated: 2025-09-12. Review status: criteria provided, single submitter. Criteria: Ambry Variant Classification Scheme 2023. Collection method: clinical testing. Allele origin: germline.
Comment: The p.D1115E variant (also known as c.3345C>A), located in coding exon 1 of the SAMD9 gene, results from a C to A substitution at nucleotide position 3345. The aspartic acid at codon 1115 is replaced by glutamic acid, an amino acid with highly similar properties. This amino acid position is conserved. In addition, this alteration is predicted to be tolerated by in silico analysis. Based on the available evidence, the clinical significance of this variant remains unclear.